The following is an entry in ClinVar:

ClinVar aggregate classification (germline): Uncertain significance (1 of 4 stars; one submission).

Conditions:
Ataxia-telangiectasia syndrome (AT). Also called: ATAXIA-TELANGIECTASIA, COMPLEMENTATION GROUP A; ATAXIA-TELANGIECTASIA, FRESNO VARIANT; Ataxia-telangiectasia, complementation group D; AT, COMPLEMENTATION GROUP C; Cerebello-oculocutaneous telangiectasia; Immunodeficiency with ataxia telangiectasia. Identifiers: Orphanet 100, MedGen C0004135, MONDO:0008840, OMIM 208900.

Allele frequency attached by ClinVar (database versions not stated): gnomAD exomes below 0.00001.
gnomAD v4.1: 1 of 1,613,104 alleles (0.000062%); highest among the groups gnomAD compares: Non-Finnish European, 0.000085%; no homozygotes.

Submission:

Labcorp Genetics (formerly Invitae), Labcorp
Classification: Uncertain significance for Ataxia-telangiectasia syndrome. Last evaluated: 2022-10-04. Review status: criteria provided, single submitter. Criteria: Invitae Variant Classification Sherloc (09022015). Collection method: clinical testing. Allele origin: germline.
Comment: Advanced modeling of protein sequence and biophysical properties (such as structural, functional, and spatial information, amino acid conservation, physicochemical variation, residue mobility, and thermodynamic stability) performed at Invitae indicates that this missense variant is not expected to disrupt ATM protein function. In summary, the available evidence is currently insufficient to determine the role of this variant in disease. Therefore, it has been classified as a Variant of Uncertain Significance. ClinVar contains an entry for this variant (Variation ID: 1044854). This missense change has been observed in individual(s) with breast cancer (PMID: 30287823). This variant is not present in population databases (gnomAD no frequency). This sequence change replaces serine, which is neutral and polar, with asparagine, which is neutral and polar, at codon 99 of the ATM protein (p.Ser99Asn).

Literature cited by the submitters: PubMed 30287823.

NM_000051.4(ATM):c.296G>A (p.Ser99Asn)

Gene: ATM (ATM serine/threonine kinase; plus strand). Cytogenetic location: 11q22.3.
Variant type: single nucleotide variant.
Coding change: c.296G>A on transcript NM_000051.4 (MANE Select); coding-DNA position 296, G replaced by A.
Protein change: p.Ser99Asn; replaces serine 99 with asparagine.
Molecular consequence: missense variant.
Genome position (GRCh38, 1-based): chr11:108,229,288, G>A. VCF-style: chr11-108229288-G-A. GRCh37 (hg19) VCF-style: chr11-108100015-G-A.
Other names: c.296G>A, p.Ser99Asn (NM_001351834.2, NM_001351835.2, NM_001351836.2); short protein forms S99N.
Identifiers: ClinVar variation 1044854 (VCV001044854.8), dbSNP rs2078891183, ClinGen allele CA382521727.